The following is an entry in ClinVar:

ClinVar aggregate classification (germline): Likely benign (1 of 4 stars; one submission).

Allele frequency attached by ClinVar (database versions not stated): 1000 Genomes Project 0.00200; 1000 Genomes Project 30x 0.00250; ExAC 0.00336; gnomAD 0.00337; ESP Exome Variant Server 0.00354; TOPMed 0.00377; gnomAD exomes 0.00438.
gnomAD v4.1: 6,870 of 1,598,300 alleles (0.43%); highest among the groups gnomAD compares: Non-Finnish European, 0.49%; 32 homozygotes.

Submission:

CeGaT Center for Human Genetics Tuebingen
Classification: Likely benign. Last evaluated: 2026-08-01. Review status: criteria provided, single submitter. Criteria: CeGaT Center For Human Genetics Tuebingen Variant Classification Criteria Version 2. Collection method: clinical testing. Allele origin: germline. Affected: yes. Observed: 11 variant alleles.
Comment: LSS: BS2

NM_002340.6(LSS):c.1671-29A>G

Gene: LSS (lanosterol synthase; minus strand). Cytogenetic location: 21q22.3.
Variant type: single nucleotide variant.
Coding change: c.1671-29A>G on transcript NM_002340.6 (MANE Select); 29 bases into the intron before coding-DNA position 1671, A replaced by G.
Molecular consequence: intron variant.
Genome position (GRCh38, 1-based): chr21:46,196,296, T>C on the plus strand (A>G on the coding strand, the complement: LSS is on the minus strand). VCF-style: chr21-46196296-T-C. GRCh37 (hg19) VCF-style: chr21-47616210-T-C.
Other names: c.1638-29A>G (NM_001145436.2); c.1671-29A>G (NM_001001438.3); c.1431-29A>G (NM_001145437.2).
Identifiers: ClinVar variation 2652811 (VCV002652811.24), dbSNP rs186230840, ClinGen allele CA10074910.